The following is an entry in ClinVar:

NM_000260.4(MYO7A):c.748_752del (p.Arg250fs)

Gene: MYO7A (myosin VIIA; plus strand). Cytogenetic location: 11q13.5.
Variant type: Deletion.
Coding change: c.748_752del on transcript NM_000260.4 (MANE Select); coding-DNA positions 748 to 752, 5 bases deleted (AGGAA; older notation c.748_752delAGGAA).
Protein change: p.Arg250fs; shifts the reading frame from arginine 250.
Molecular consequence: frameshift variant.
Genome position (GRCh38, 1-based): chr11:77,157,291-77,157,295, AGGAA deleted; deleting any 5 consecutive bases within chr11:77,157,288-77,157,295 gives the same sequence; the c. name uses the placement nearest the transcript's 3' end. VCF-style (leftmost placement, unchanged base first): chr11-77157287-TGAAAG-T. GRCh37 (hg19) VCF-style: chr11-76868333-TGAAAG-T.
Other names: c.748_752del, p.Arg250fs (NM_001127180.2); c.715_719del, p.Arg239fs (NM_001369365.1); short protein forms R239fs, R250fs.
Identifiers: ClinVar variation 5015251 (VCV005015251.1).

ClinVar aggregate classification (germline): Pathogenic (1 of 4 stars; one submission).

Conditions:
Usher syndrome type 1 (USH1). Also called: RETINITIS PIGMENTOSA AND CONGENITAL DEAFNESS. Identifiers: Orphanet 231169, Orphanet 886, MedGen C1568247, MONDO:0010168, OMIM 276900.

Submission:

Myriad Genetics, Inc.
Classification: Pathogenic for Usher syndrome type 1. Last evaluated: 2025-11-22. Review status: criteria provided, single submitter. Criteria: Myriad Autosomal Dominant, Autosomal Recessive and X-Linked Classification Criteria (2023). Collection method: clinical testing. Allele origin: unknown.
Comment: NM_000260.3(MYO7A):c.748_752del5(R250Lfs*13) is expected to be pathogenic in the context of MYO7A-related disorders. This variant is predicted to lead to an abnormal or absent protein product due to the creation of a premature termination codon in MYO7A, a gene where loss-of-function variants are known to be pathogenic. Please note: this variant was assessed in the context of healthy population screening.